The following is an entry in ClinVar:

NM_017763.6(RNF43):c.253-16C>T

Gene: RNF43 (ring finger protein 43; minus strand). Cytogenetic location: 17q22.
Variant type: single nucleotide variant.
Coding change: c.253-16C>T on transcript NM_017763.6 (MANE Select); 16 bases into the intron before coding-DNA position 253, C replaced by T.
Molecular consequence: intron variant.
Genome position (GRCh38, 1-based): chr17:58,371,049, G>A on the plus strand (C>T on the coding strand, the complement: RNF43 is on the minus strand). VCF-style: chr17-58371049-G-A. GRCh37 (hg19) VCF-style: chr17-56448410-G-A.
Other names: c.253-16C>T (NM_001438822.1, NM_001305544.3, NM_001438820.1 and 1 more transcripts); c.-129-16C>T (NM_001305545.2, NM_001437987.1).
Identifiers: ClinVar variation 2428061 (VCV002428061.7), dbSNP rs751340676, ClinGen allele CA8673484.

ClinVar aggregate classification (germline): Likely benign. Review status: criteria provided, multiple submitters, no conflicts (2 of 4 stars). 2 submissions from 2 submitters: Likely benign (2). Last evaluated 2026-06-26.

Conditions:
Sessile serrated polyposis cancer syndrome (SSPCS). Identifiers: Orphanet 157798, MedGen C4310714, MONDO:0014919, OMIM 617108.

Allele frequency attached by ClinVar (database versions not stated): TOPMed below 0.00001; ExAC 0.00001; gnomAD exomes 0.00001; gnomAD 0.00001.
gnomAD v4.1: 8 of 1,557,364 alleles (0.00051%); highest among the groups gnomAD compares: African/African-American, 0.0014%; no homozygotes.

Submissions (2):

Myriad Genetics, Inc.
Classification: Likely benign for Sessile serrated polyposis cancer syndrome. Last evaluated: 2026-06-26. Review status: criteria provided, single submitter. Criteria: Myriad Autosomal Dominant, Autosomal Recessive and X-Linked Classification Criteria (2023). Collection method: clinical testing. Allele origin: unknown.
Comment: This variant is considered likely benign. This variant is intronic and is not expected to impact mRNA splicing.

Labcorp Genetics (formerly Invitae), Labcorp
Classification: Likely benign. Last evaluated: 2022-06-11. Review status: criteria provided, single submitter. Criteria: Invitae Variant Classification Sherloc (09022015). Collection method: clinical testing. Allele origin: germline.